The following is an entry in ClinVar:

ClinVar aggregate classification (germline): Likely benign. Review status: criteria provided, multiple submitters, no conflicts (2 of 4 stars). 5 submissions from 5 submitters: Likely benign (4). 1 of the submissions does not count toward it. Last evaluated 2025-12-01.

Conditions:
Ornithine carbamoyltransferase deficiency (OTCD). Also called: Ornithine Carbamoyltransferase Deficiency Disease; OTC DEFICIENCY; ORNITHINE TRANSCARBAMYLASE DEFICIENCY; ORNITHINE TRANSCARBAMYLASE DEFICIENCY, HYPERAMMONEMIA DUE TO. Identifiers: Orphanet 664, MedGen C0268542, MONDO:0010703, OMIM 311250.

Allele frequency attached by ClinVar (database versions not stated): gnomAD exomes 0.00004; gnomAD 0.00005; TOPMed 0.00006; ExAC 0.00007; 1000 Genomes Project 30x 0.00021; 1000 Genomes Project 0.00026.
gnomAD v4.1: 45 of 1,178,338 alleles (0.0038%); highest among the groups gnomAD compares: Non-Finnish European, 0.0045%; no homozygotes.

Submissions (5):

CeGaT Center for Human Genetics Tuebingen
Classification: Likely benign. Last evaluated: 2025-12-01. Review status: criteria provided, single submitter. Criteria: CeGaT Center For Human Genetics Tuebingen Variant Classification Criteria Version 2. Collection method: clinical testing. Allele origin: germline. Affected: yes. Observed: 1 variant allele.
Comment: OTC: BP4, BS2

Labcorp Genetics (formerly Invitae), Labcorp
Classification: Likely benign for Ornithine carbamoyltransferase deficiency. Last evaluated: 2024-10-08. Review status: criteria provided, single submitter. Criteria: Invitae Variant Classification Sherloc (09022015). Collection method: clinical testing. Allele origin: germline.

Blueprint Genetics
Classification: Likely benign. Last evaluated: 2024-09-02. Review status: criteria provided, single submitter. Criteria: ACMG Guidelines, 2015. Collection method: clinical testing. Allele origin: germline.

Color Diagnostics, LLC DBA Color Health
Classification: Likely benign for Ornithine carbamoyltransferase deficiency. Last evaluated: 2022-04-21. Review status: criteria provided, single submitter. Criteria: ACMG Guidelines, 2015. Collection method: clinical testing. Allele origin: germline.

Natera, Inc.
Classification: Likely benign for Ornithine transcarbamylase deficiency. Last evaluated: 2020-02-26. Review status: no assertion criteria provided. Collection method: clinical testing. Allele origin: germline. Not counted in ClinVar's aggregate classification.

NM_000531.6(OTC):c.372C>T (p.Leu124=)

Gene: OTC (ornithine transcarbamylase; plus strand). Cytogenetic location: Xp11.4.
Variant type: single nucleotide variant.
Coding change: c.372C>T on transcript NM_000531.6 (MANE Select); coding-DNA position 372, C replaced by T.
Protein change: p.Leu124=; no amino-acid change (leucine 124 retained).
Molecular consequence: synonymous variant.
Genome position (GRCh38, 1-based): chrX:38,381,415, C>T. VCF-style: chrX-38381415-C-T. GRCh37 (hg19) VCF-style: chrX-38240668-C-T.
Identifiers: ClinVar variation 735679 (VCV000735679.22), dbSNP rs201070935, ClinGen allele CA10385846.
Genomic context (GRCh38, chrX:38,381,415, plus strand): 5'-GGGAGGACATCCTTGTTTTCTTACCACACAAGATATTCATTTGGGTGTGAATGAAAGTCT[C>T]ACGGACACGGCCCGGTTTGTAAATATTTTCTTCTCTCCAAAGCTGATTTCAGAATCTGAT-3'
Protein context (NP_000522.3, residues 114-134): QDIHLGVNES[Leu124=]TDTARVLSSM